The following is an entry in ClinVar:

ClinVar aggregate classification (germline): Uncertain significance (1 of 4 stars; one submission).

Conditions:
Aniridia 1 (AN1). Identifiers: Orphanet 250923, MedGen C0344542, MONDO:0024507, OMIM 106210.
Irido-corneo-trabecular dysgenesis (ASGD5). Also called: ANTERIOR SEGMENT DYSGENESIS 5. Identifiers: Orphanet 708, MedGen C0344559, MONDO:0011414, OMIM 604229, HP:0000659.

Allele frequency attached by ClinVar (database versions not stated): TOPMed 0.00001.
gnomAD v4.1: 3 of 1,614,162 alleles (0.00019%); highest among the groups gnomAD compares: Non-Finnish European, 0.00025%; no homozygotes.

Submission:

Labcorp Genetics (formerly Invitae), Labcorp
Classification: Uncertain significance for Aniridia 1; Irido-corneo-trabecular dysgenesis. Last evaluated: 2024-07-01. Review status: criteria provided, single submitter. Criteria: Invitae Variant Classification Sherloc (09022015). Collection method: clinical testing. Allele origin: germline.
Comment: This sequence change affects codon 119 of the PAX6 mRNA. It is a 'silent' change, meaning that it does not change the encoded amino acid sequence of the PAX6 protein. It affects a nucleotide within the consensus splice site. This variant is not present in population databases (gnomAD no frequency). This variant has not been reported in the literature in individuals affected with PAX6-related conditions. Algorithms developed to predict the effect of sequence changes on RNA splicing suggest that this variant is not likely to affect RNA splicing. In summary, the available evidence is currently insufficient to determine the role of this variant in disease. Therefore, it has been classified as a Variant of Uncertain Significance.

NM_001368894.2(PAX6):c.399C>T (p.Ser133=)

Gene: PAX6 (paired box 6; minus strand). Cytogenetic location: 11p13.
Variant type: single nucleotide variant.
Coding change: c.399C>T on transcript NM_001368894.2 (MANE Select); coding-DNA position 399, C replaced by T.
Protein change: p.Ser133=; no amino-acid change (serine 133 retained).
Molecular consequence: synonymous variant. On other transcripts: 5 prime UTR variant (14), non-coding transcript variant (2), intron variant (8).
Genome position (GRCh38, 1-based): chr11:31,801,561, G>A on the plus strand (C>T on the coding strand, the complement: PAX6 is on the minus strand). VCF-style: chr11-31801561-G-A. GRCh37 (hg19) VCF-style: chr11-31823109-G-A.
Other names: c.357C>T, p.Ser119= (NM_000280.6, NM_001127612.3, NM_001258464.2 and 10 more transcripts); c.399C>T, p.Ser133= (NM_001258462.3, NM_001258463.2, NM_001310158.2 and 6 more transcripts); c.-383C>T (NM_001310160.2, NM_001368902.2, NM_001368905.2); c.-52C>T (NM_001310161.3, NM_001368899.2, NM_001368900.2 and 8 more transcripts); c.600C>T, p.Ser200= (NM_001368910.2); c.402C>T, p.Ser134= (NM_001368911.2); c.474C>T, p.Ser158= (NM_001368918.2, NM_001368919.2); c.432C>T, p.Ser144= (NM_001368920.2); and 2 more.
Identifiers: ClinVar variation 2930281 (VCV002930281.3), dbSNP rs121907928, ClinGen allele CA219468477.
Genomic context (GRCh38, chr11:31,801,561, plus strand): 5'-GTAAAGAGGAGAGAGCATTGGGCTTAGGGCAGGGAGGGCAGATGTTCTCAATGAACTTAC[G>A]CTTGGTATGTTATCGTTGGTACAGACCCCCTCGGACAGTAATCTGTCTCGGATTTCCCAA-3'
Protein context (NP_001355823.1, residues 123-143): EGVCTNDNIP[Ser133=]VSSINRVLRN